The following is an entry in ClinVar:

ClinVar aggregate classification (germline): Likely benign (1 of 4 stars; one submission).

Allele frequency attached by ClinVar (database versions not stated): gnomAD exomes 0.00012; ExAC 0.00028; 1000 Genomes Project 30x 0.00031; gnomAD 0.00045; ESP Exome Variant Server 0.00060; 1000 Genomes Project 0.00220.
gnomAD v4.1: 235 of 1,583,362 alleles (0.015%); highest among the groups gnomAD compares: African/African-American, 0.14%; 23 homozygotes.

Submission:

CeGaT Center for Human Genetics Tuebingen
Classification: Likely benign. Last evaluated: 2025-04-01. Review status: criteria provided, single submitter. Criteria: CeGaT Center For Human Genetics Tuebingen Variant Classification Criteria Version 2. Collection method: clinical testing. Allele origin: germline. Affected: yes. Observed: 2 variant alleles.
Comment: AHNAK2: BP4, BS2

NM_138420.4(AHNAK2):c.5233C>G (p.Gln1745Glu)

Gene: AHNAK2 (AHNAK nucleoprotein 2; minus strand). Cytogenetic location: 14q32.33.
Variant type: single nucleotide variant.
Coding change: c.5233C>G on transcript NM_138420.4 (MANE Select); coding-DNA position 5233, C replaced by G.
Protein change: p.Gln1745Glu; replaces glutamine 1745 with glutamic acid.
Molecular consequence: missense variant.
Genome position (GRCh38, 1-based): chr14:104,950,218, G>C on the plus strand (C>G on the coding strand, the complement: AHNAK2 is on the minus strand). VCF-style: chr14-104950218-G-C. GRCh37 (hg19) VCF-style: chr14-105416555-G-C.
Other names: c.4933C>G, p.Gln1645Glu (NM_001350929.2); short protein forms Q1645E, Q1745E.
Identifiers: ClinVar variation 3239123 (VCV003239123.19), dbSNP rs199544161.